The following is an entry in ClinVar:

NM_005505.5(SCARB1):c.126+261G>A

Gene: SCARB1 (scavenger receptor class B member 1; minus strand). Cytogenetic location: 12q24.31.
Variant type: single nucleotide variant.
Coding change: c.126+261G>A on transcript NM_005505.5 (MANE Select); 261 bases into the intron after coding-DNA position 126, G replaced by A.
Molecular consequence: intron variant.
Genome position (GRCh38, 1-based): chr12:124,863,334, C>T on the plus strand (G>A on the coding strand, the complement: SCARB1 is on the minus strand). VCF-style: chr12-124863334-C-T. GRCh37 (hg19) VCF-style: chr12-125347880-C-T.
Other names: c.126+261G>A (NM_001367988.1, NM_001367985.1, NM_001367987.1 and 6 more transcripts).
Identifiers: ClinVar variation 1702535 (VCV001702535.2), dbSNP rs150218428, ClinGen allele CA245265905.

ClinVar aggregate classification (germline): Likely benign (1 of 4 stars; one submission).

Allele frequency attached by ClinVar (database versions not stated): gnomAD 0.00748 and 0.00798; TOPMed 0.00884; 1000 Genomes Project 30x 0.00937; 1000 Genomes Project 0.00958.
gnomAD v4.1: 1,127 of 152,336 alleles (0.74%); highest among the groups gnomAD compares: African/African-American, 2.5%; 19 homozygotes.

Submission:

GeneDx
Classification: Likely benign. Last evaluated: 2021-08-29. Review status: criteria provided, single submitter. Criteria: GeneDx Variant Classification Process June 2021. Collection method: clinical testing. Allele origin: germline. Affected: yes.
Comment: See Variant Classification Assertion Criteria.